The following is an entry in ClinVar:

ClinVar aggregate classification (germline): Uncertain significance (1 of 4 stars; one submission).

Submission:

GeneDx
Classification: Uncertain significance. Last evaluated: 2024-07-09. Review status: criteria provided, single submitter. Criteria: GeneDx Variant Classification Process June 2021. Collection method: clinical testing. Allele origin: germline. Affected: yes.
Comment: Not observed at significant frequency in large population cohorts (gnomAD); In silico analysis supports that this missense variant has a deleterious effect on protein structure/function; Has not been previously published as pathogenic or benign to our knowledge

NM_001347721.2(DYRK1A):c.1326G>C (p.Lys442Asn)

Gene: DYRK1A (dual specificity tyrosine phosphorylation regulated kinase 1A; plus strand). Cytogenetic location: 21q22.13.
Variant type: single nucleotide variant.
Coding change: c.1326G>C on transcript NM_001347721.2 (MANE Select); coding-DNA position 1326, G replaced by C.
Protein change: p.Lys442Asn; replaces lysine 442 with asparagine.
Molecular consequence: missense variant.
Genome position (GRCh38, 1-based): chr21:37,505,396, G>C. VCF-style: chr21-37505396-G-C. GRCh37 (hg19) VCF-style: chr21-38877699-G-C.
Other names: c.1326G>C, p.Lys442Asn (NM_001347722.2, NM_130436.2); c.1239G>C, p.Lys413Asn (NM_001347723.2); c.1353G>C, p.Lys451Asn (NM_001396.5, NM_101395.2, NM_130438.2); short protein forms K442N, K451N, K413N.
Identifiers: ClinVar variation 3572783 (VCV003572783.1).